The following is an entry in ClinVar:

NM_022458.4(LMBR1):c.*3207T>G

Gene: LMBR1 (limb development membrane protein 1; minus strand). Cytogenetic location: 7q36.3.
Variant type: single nucleotide variant.
Coding change: c.*3207T>G on transcript NM_022458.4 (MANE Select); 3207 bases downstream of the stop codon, T replaced by G.
Molecular consequence: 3 prime UTR variant.
Genome position (GRCh38, 1-based): chr7:156,680,871, A>C on the plus strand (T>G on the coding strand, the complement: LMBR1 is on the minus strand). VCF-style: chr7-156680871-A-C. GRCh37 (hg19) VCF-style: chr7-156473565-A-C.
Other names: c.*3207T>G (NM_001350953.2, NM_001350954.2, NM_001350955.2 and 8 more transcripts).
Identifiers: ClinVar variation 369579 (VCV000369579.5), dbSNP rs116521088, ClinGen allele CA10654708.

ClinVar aggregate classification (germline): Benign (1 of 4 stars; one submission).

Conditions:
Polydactyly of a triphalangeal thumb. Also called: TRIPHALANGEAL THUMB-POLYDACTYLY SYNDROME; POLYDACTYLY OF TRIPHALANGEAL THUMB; Polydactyly, preaxial type II. Identifiers: Orphanet 2439, Orphanet 2950, Orphanet 93336, MedGen C1868114, MONDO:0008270, OMIM 174500.

Allele frequency attached by ClinVar (database versions not stated): gnomAD exomes 0.00012; gnomAD 0.00334 and 0.00342; TOPMed 0.00375; 1000 Genomes Project 0.00519; 1000 Genomes Project 30x 0.00578.
gnomAD v4.1: 510 of 238,088 alleles (0.21%); highest among the groups gnomAD compares: African/African-American, 1.1%; 1 homozygote.

Submission:

Illumina Laboratory Services, Illumina
Classification: Benign for Polydactyly of a triphalangeal thumb. Last evaluated: 2018-01-12. Review status: criteria provided, single submitter. Criteria: ICSL Variant Classification Criteria 13 December 2019. Collection method: clinical testing. Allele origin: germline.
Comment: This variant was observed in the ICSL laboratory as part of a predisposition screen in an ostensibly healthy population. It had not been previously curated by ICSL or reported in the Human Gene Mutation Database (HGMD: prior to June 1st, 2018), and was therefore a candidate for classification through an automated scoring system. Utilizing variant allele frequency, disease prevalence and penetrance estimates, and inheritance mode, an automated score was calculated to assess if this variant is too frequent to cause the disease. Based on the score and internal cut-off values, a variant classified as benign is not then subjected to further curation. The score for this variant resulted in a classification of benign for this disease.